The following is an entry in ClinVar:

ClinVar aggregate classification (germline): Likely pathogenic (1 of 4 stars; one submission).

Conditions:
Generalized epilepsy with febrile seizures plus, type 7 (GEFSP7). Also called: GEFS+, TYPE 7. Identifiers: Orphanet 36387, MedGen C2751778, MONDO:0013470, OMIM 613863.
Neuropathy, hereditary sensory and autonomic, type 2A (HSAN2A). Also called: ACROOSTEOLYSIS, GIACCAI TYPE; ACROOSTEOLYSIS, NEUROGENIC; WNK1-Related HSAN2 (HSAN2A); MORVAN DISEASE; NEUROPATHY, CONGENITAL SENSORY; NEUROPATHY, HEREDITARY SENSORY RADICULAR, AUTOSOMAL RECESSIVE. Identifiers: Orphanet 970, MedGen C2752089, MONDO:0024309, OMIM 201300.

Allele frequency attached by ClinVar (database versions not stated): TOPMed below 0.00001; gnomAD 0.00001.
gnomAD v4.1: 1 of 1,612,078 alleles (0.000062%); highest among the groups gnomAD compares: Non-Finnish European, 0.000085%; no homozygotes.

Submission:

Labcorp Genetics (formerly Invitae), Labcorp
Classification: Likely pathogenic for Neuropathy, hereditary sensory and autonomic, type 2A; Generalized epilepsy with febrile seizures plus, type 7. Last evaluated: 2022-09-03. Review status: criteria provided, single submitter. Criteria: Invitae Variant Classification Sherloc (09022015). Collection method: clinical testing. Allele origin: germline.
Comment: Algorithms developed to predict the effect of sequence changes on RNA splicing suggest that this variant may disrupt the consensus splice site. In summary, the currently available evidence indicates that the variant is pathogenic, but additional data are needed to prove that conclusively. Therefore, this variant has been classified as Likely Pathogenic. This variant has not been reported in the literature in individuals affected with SCN9A-related conditions. This variant is not present in population databases (gnomAD no frequency). This sequence change affects an acceptor splice site in intron 4 of the SCN9A gene. It is expected to disrupt RNA splicing. Variants that disrupt the donor or acceptor splice site typically lead to a loss of protein function (PMID: 16199547), and loss-of-function variants in SCN9A are known to be pathogenic (PMID: 17470132, 19304393).

Literature cited by the submitters: PubMed 16199547; PubMed 17470132; PubMed 19304393.

NM_001365536.1(SCN9A):c.468-1G>C

Gene: SCN9A (sodium voltage-gated channel alpha subunit 9; minus strand). Cytogenetic location: 2q24.3.
Variant type: single nucleotide variant.
Coding change: c.468-1G>C on transcript NM_001365536.1 (MANE Select); the canonical splice acceptor site of the intron before coding-DNA position 468, G replaced by C.
Molecular consequence: splice acceptor variant.
Genome position (GRCh38, 1-based): chr2:166,305,921, C>G on the plus strand (G>C on the coding strand, the complement: SCN9A is on the minus strand). VCF-style: chr2-166305921-C-G. GRCh37 (hg19) VCF-style: chr2-167162431-C-G.
Other names: c.468-1G>C (NM_002977.4).
Identifiers: ClinVar variation 1967289 (VCV001967289.5), dbSNP rs199828294, ClinGen allele CA59809274.
Genomic context (GRCh38, chr2:166,305,921, plus strand): 5'-AAGCCTCTTGCAAGGATTTTTACAAGTGATTCAAAAGTATATATTCCAGTAAAAGTGTAC[C>G]TAAACACAAGATTCCATTGGGATACTAGATGTGAAAAGAATACAACCACCATGTAAATCT-3'